The following is an entry in ClinVar:

NM_002439.5(MSH3):c.1294T>A (p.Leu432Met)

Gene: MSH3 (mutS homolog 3; plus strand). Cytogenetic location: 5q14.1.
Variant type: single nucleotide variant.
Coding change: c.1294T>A on transcript NM_002439.5 (MANE Select); coding-DNA position 1294, T replaced by A.
Protein change: p.Leu432Met; replaces leucine 432 with methionine.
Molecular consequence: missense variant.
Genome position (GRCh38, 1-based): chr5:80,679,047, T>A. VCF-style: chr5-80679047-T-A. GRCh37 (hg19) VCF-style: chr5-79974866-T-A.
Other names: short protein forms L432M.
Identifiers: ClinVar variation 1403394 (VCV001403394.8), dbSNP rs2112819137, ClinGen allele CA360269058.

ClinVar aggregate classification (germline): Uncertain significance (1 of 4 stars; one submission).

Submission:

Labcorp Genetics (formerly Invitae), Labcorp
Classification: Uncertain significance. Last evaluated: 2023-06-27. Review status: criteria provided, single submitter. Criteria: Invitae Variant Classification Sherloc (09022015). Collection method: clinical testing. Allele origin: germline.
Comment: In summary, the available evidence is currently insufficient to determine the role of this variant in disease. Therefore, it has been classified as a Variant of Uncertain Significance. Algorithms developed to predict the effect of missense changes on protein structure and function output the following: SIFT: "Not Available"; PolyPhen-2: "Possibly Damaging"; Align-GVGD: "Not Available". The methionine amino acid residue is found in multiple mammalian species, which suggests that this missense change does not adversely affect protein function. ClinVar contains an entry for this variant (Variation ID: 1403394). This variant has not been reported in the literature in individuals affected with MSH3-related conditions. This variant is not present in population databases (gnomAD no frequency). This sequence change replaces leucine, which is neutral and non-polar, with methionine, which is neutral and non-polar, at codon 432 of the MSH3 protein (p.Leu432Met).